The following is an entry in ClinVar:

NM_005902.4(SMAD3):c.394A>G (p.Thr132Ala)

Gene: SMAD3 (SMAD family member 3; plus strand). Cytogenetic location: 15q22.33.
Variant type: single nucleotide variant.
Coding change: c.394A>G on transcript NM_005902.4 (MANE Select); coding-DNA position 394, A replaced by G.
Protein change: p.Thr132Ala; replaces threonine 132 with alanine.
Molecular consequence: missense variant.
Genome position (GRCh38, 1-based): chr15:67,165,082, A>G. VCF-style: chr15-67165082-A-G. GRCh37 (hg19) VCF-style: chr15-67457420-A-G.
Other names: p.T132A:ACA>GCA; c.79A>G, p.Thr27Ala (NM_001145102.2); c.262A>G, p.Thr88Ala (NM_001145103.2); short protein forms T132A, T27A, T88A.
Identifiers: ClinVar variation 213803 (VCV000213803.24), dbSNP rs371876622, ClinGen allele CA062171.

ClinVar aggregate classification (germline): Uncertain significance. Review status: criteria provided, multiple submitters, no conflicts (2 of 4 stars). 8 submissions from 8 submitters: Uncertain significance (6). 2 of the submissions do not count toward it. Last evaluated 2025-12-26.

Conditions:
Familial thoracic aortic aneurysm and aortic dissection (TAAD). Also called: Thoracic aortic aneurysms and dissections. Identifiers: Orphanet 91387, MedGen C4707243, MONDO:0019625.
Aneurysm-osteoarthritis syndrome. Also called: LOEYS-DIETZ SYNDROME WITH OSTEOARTHRITIS; SMAD3-Related Loeys-Dietz Syndrome; Loeys-Dietz syndrome, type 1C; ANEURYSMS-OSTEOARTHRITIS SYNDROME. Identifiers: Orphanet 284984, MedGen C3151087, MONDO:0013426, OMIM 613795.

Allele frequency attached by ClinVar (database versions not stated): gnomAD exomes 0.00001 and 0.00002; ExAC 0.00002; gnomAD 0.00003; TOPMed 0.00004; ESP Exome Variant Server 0.00008.
gnomAD v4.1: 23 of 1,614,048 alleles (0.0014%); highest among the groups gnomAD compares: Non-Finnish European, 0.0019%; no homozygotes.

Submissions (8):

Labcorp Genetics (formerly Invitae), Labcorp
Classification: Uncertain significance for Familial thoracic aortic aneurysm and aortic dissection. Last evaluated: 2025-12-26. Review status: criteria provided, single submitter. Criteria: Invitae Variant Classification Sherloc (09022015). Collection method: clinical testing. Allele origin: germline.
Comment: This sequence change replaces threonine, which is neutral and polar, with alanine, which is neutral and non-polar, at codon 132 of the SMAD3 protein (p.Thr132Ala). This variant is present in population databases (rs371876622, gnomAD 0.004%). This missense change has been observed in individual(s) with aortic aneurysm (PMID: 29907982). ClinVar contains an entry for this variant (Variation ID: 213803). Invitae Evidence Modeling incorporating data from in vitro experimental studies (internal data) indicates that this missense variant is not expected to disrupt SMAD3 function with a negative predictive value of 95%. In summary, the available evidence is currently insufficient to determine the role of this variant in disease. Therefore, it has been classified as a Variant of Uncertain Significance.

GeneDx
Classification: Uncertain significance. Last evaluated: 2025-03-25. Review status: criteria provided, single submitter. Criteria: GeneDx Variant Classification Process June 2021. Collection method: clinical testing. Allele origin: germline. Affected: yes.
Comment: Not observed at significant frequency in large population cohorts (gnomAD); In silico analysis supports that this missense variant has a deleterious effect on protein structure/function; This variant is associated with the following publications: (PMID: 29907982)

Ambry Genetics
Classification: Uncertain significance for Familial thoracic aortic aneurysm and aortic dissection. Last evaluated: 2024-10-27. Review status: criteria provided, single submitter. Criteria: Ambry Variant Classification Scheme 2023. Collection method: clinical testing. Allele origin: germline.
Comment: The p.T132A variant (also known as c.394A>G), located in coding exon 2 of the SMAD3 gene, results from an A to G substitution at nucleotide position 394. The threonine at codon 132 is replaced by alanine, an amino acid with similar properties. This variant was reported in a thoracic aortic aneurysm and dissection (TAAD) cohort; however, clinical details were limited (Overwater E et al. Hum Mutat, 2018 09;39:1173-1192). This amino acid position is highly conserved in available vertebrate species. In addition, this alteration is predicted to be deleterious by in silico analysis. Since supporting evidence is limited at this time, the clinical significance of this alteration remains unclear.

All of Us Research Program, National Institutes of Health
Classification: Uncertain significance for Aneurysm-osteoarthritis syndrome. Last evaluated: 2024-07-29. Review status: criteria provided, single submitter. Criteria: ACMG Guidelines, 2015. Collection method: clinical testing. Allele origin: germline. Inheritance: Autosomal dominant inheritance. Observed: 15 variant alleles, 15 heterozygotes.
Comment: This missense variant replaces threonine with alanine at codon 132 of the SMAD3 protein. Computational prediction is inconclusive regarding the impact of this variant on protein structure and function (internally defined REVEL score threshold 0.5 < inconclusive < 0.7, PMID: 27666373). To our knowledge, functional studies have not been reported for this variant. This variant has been reported in an individual affected with aortic aneurysm and in another two unrelated individuals affected with aortic dilation (PMID: 29907982, DOI: 10.22541/au.158739953.31329162). This variant has been identified in 5/282776 chromosomes in the general population by the Genome Aggregation Database (gnomAD). The available evidence is insufficient to determine the role of this variant in disease conclusively. Therefore, this variant is classified as a Variant of Uncertain Significance.

This study involves interpretation of variants in research participants for the purpose of population health screening. Participant phenotype was not available at the time of variant classification. Additional details can be found in publication PMID: 35346344, PMCID: PMC8962531

Color Diagnostics, LLC DBA Color Health
Classification: Uncertain significance for Familial thoracic aortic aneurysm and aortic dissection. Last evaluated: 2024-07-17. Review status: criteria provided, single submitter. Criteria: ACMG Guidelines, 2015. Collection method: clinical testing. Allele origin: germline.
Comment: This missense variant replaces threonine with alanine at codon 132 of the SMAD3 protein. Computational prediction is inconclusive regarding the impact of this variant on protein structure and function. To our knowledge, functional studies have not been reported for this variant. This variant has been reported in an individual affected with aortic aneurysm and in another two unrelated individuals affected with aortic dilation (PMID: 29907982, DOI: 10.22541/au.158739953.31329162). This variant has been identified in 5/282776 chromosomes in the general population by the Genome Aggregation Database (gnomAD). The available evidence is insufficient to determine the role of this variant in disease conclusively. Therefore, this variant is classified as a Variant of Uncertain Significance.

Fulgent Genetics
Classification: Uncertain significance for Aneurysm-osteoarthritis syndrome. Last evaluated: 2021-10-14. Review status: criteria provided, single submitter. Criteria: ACMG Guidelines, 2015. Collection method: clinical testing. Allele origin: unknown.

Genome Diagnostics Laboratory, Amsterdam University Medical Center
Classification: Uncertain significance. Review status: no assertion criteria provided. Collection method: clinical testing. Allele origin: germline. Affected: yes. Study: VKGL Data-share Consensus. Not counted in ClinVar's aggregate classification.

Joint Genome Diagnostic Labs from Nijmegen and Maastricht, Radboudumc and MUMC+
Classification: Uncertain significance. Review status: no assertion criteria provided. Collection method: clinical testing. Allele origin: germline. Affected: yes. Study: VKGL Data-share Consensus. Not counted in ClinVar's aggregate classification.

Literature cited by the submitters: PubMed 29907982 (cited by 4 submitters).